The following is an entry in ClinVar:

NM_006514.4(SCN10A):c.1867+57G>A

Gene: SCN10A (sodium voltage-gated channel alpha subunit 10; minus strand). Cytogenetic location: 3p22.2.
Variant type: single nucleotide variant.
Coding change: c.1867+57G>A on transcript NM_006514.4 (MANE Select); 57 bases into the intron after coding-DNA position 1867, G replaced by A.
Molecular consequence: intron variant.
Genome position (GRCh38, 1-based): chr3:38,750,016, C>T on the plus strand (G>A on the coding strand, the complement: SCN10A is on the minus strand). VCF-style: chr3-38750016-C-T. GRCh37 (hg19) VCF-style: chr3-38791507-C-T.
Other names: c.1573+57G>A (NM_001293307.2); c.1867+57G>A (NM_001293306.2).
Identifiers: ClinVar variation 669326 (VCV000669326.2), dbSNP rs12054245, ClinGen allele CA11550489.

ClinVar aggregate classification (germline): Benign. Review status: criteria provided, multiple submitters, no conflicts (2 of 4 stars). 2 submissions from 2 submitters: Benign (2). Last evaluated 2018-06-13.

Allele frequency attached by ClinVar (database versions not stated): gnomAD 0.05614 and 0.05861; gnomAD exomes 0.05672; TOPMed 0.06249; 1000 Genomes Project 0.08806; 1000 Genomes Project 30x 0.08838.
gnomAD v4.1: 54,569 of 956,406 alleles (5.7%); highest among the groups gnomAD compares: East Asian, 9.8%; 1,847 homozygotes.

Submissions (2):

GeneDx
Classification: Benign. Last evaluated: 2018-06-13. Review status: criteria provided, single submitter. Criteria: GeneDx Variant Classification (06012015). Collection method: clinical testing. Allele origin: germline. Affected: yes.
Comment: This variant is considered likely benign or benign based on one or more of the following criteria: it is a conservative change, it occurs at a poorly conserved position in the protein, it is predicted to be benign by multiple in silico algorithms, and/or has population frequency not consistent with disease.

Breakthrough Genomics
Classification: Benign. Review status: criteria provided, single submitter. Criteria: ACMG Guidelines, 2015. Collection method: not provided. Allele origin: germline. Inheritance: Autosomal dominant inheritance. Affected: yes.